The following is an entry in ClinVar:

ClinVar aggregate classification (germline): Pathogenic. Review status: criteria provided, single submitter (1 of 4 stars). 2 submissions from 1 submitter: Pathogenic (1). 1 of the submissions does not count toward it. Last evaluated 2021-08-02.

Conditions:
Familial adenomatous polyposis 1 (FAP1). Also called: FAMILIAL ADENOMATOUS POLYPOSIS 1, ATTENUATED; POLYPOSIS, ADENOMATOUS INTESTINAL. Identifiers: MedGen C2713442, MONDO:0021056, OMIM 175100. Disease mechanism: loss of function.

Submissions (2):

Labcorp Genetics (formerly Invitae), Labcorp
Classification: Pathogenic for Familial adenomatous polyposis 1. Last evaluated: 2021-08-02. Review status: criteria provided, single submitter. Criteria: Invitae Variant Classification Sherloc (09022015). Collection method: clinical testing. Allele origin: germline.

Labcorp Genetics (formerly Invitae), Labcorp
Classification: Pathogenic for Familial adenomatous polyposis 1. Last evaluated: 2018-10-30. Review status: flagged submission. Criteria: Invitae Variant Classification Sherloc (09022015). Collection method: clinical testing. Allele origin: germline. Not counted in ClinVar's aggregate classification.
Comment: A gross deletion of the genomic region encompassing promoter 1B, promoter 1A, and the full coding sequence of the APC gene has been identified. The boundaries of this event are unknown as the deletion extends beyond the assayed region for this gene and therefore may encompass additional genes. Gross deletions of APC have been observed in individuals affected with familial adenomatous polyposis, including de novo cases, however paternity was not confirmed (PMID: 18487285,Â¬â€ 19279422,Â¬â€ 21643010,Â¬â€ 26681312). Loss-of-function variants in APC are known to be pathogenic (PMID: 20685668, 17963004). For these reasons, this variant has been classified as Pathogenic.
ClinVar note: Reason: This record appears to be redundant with a more recent record from the same submitter.
ClinVar note: Notes: SCV000954353 appears to be redundant with SCV002120397.

Literature cited by the submitters: PubMed 18487285.

NC_000005.10:g.(?_112737024)_(112844136_?)del

Gene: APC (APC regulator of Wnt signaling pathway; plus strand). Cytogenetic location: 5q22.2.
Variant type: Deletion.
Identifiers: ClinVar variation 657373 (VCV000657373.4).